The following is an entry in ClinVar:

NM_005807.6(PRG4):c.1006G>A (p.Glu336Lys)

Gene: PRG4 (proteoglycan 4; plus strand). Cytogenetic location: 1q31.1.
Variant type: single nucleotide variant.
Coding change: c.1006G>A on transcript NM_005807.6 (MANE Select); coding-DNA position 1006, G replaced by A.
Protein change: p.Glu336Lys; replaces glutamic acid 336 with lysine.
Molecular consequence: missense variant.
Genome position (GRCh38, 1-based): chr1:186,306,725, G>A. VCF-style: chr1-186306725-G-A. GRCh37 (hg19) VCF-style: chr1-186275857-G-A.
Other names: c.883G>A, p.Glu295Lys (NM_001127708.3); c.727G>A, p.Glu243Lys (NM_001127709.3); c.604G>A, p.Glu202Lys (NM_001127710.3); c.877G>A, p.Glu293Lys (NM_001303232.2); short protein forms E202K, E243K, E293K, E295K, E336K.
Identifiers: ClinVar variation 2639653 (VCV002639653.25), dbSNP rs116879071, ClinGen allele CA1295996.

ClinVar aggregate classification (germline): Likely benign. Review status: criteria provided, multiple submitters, no conflicts (2 of 4 stars). 2 submissions from 2 submitters: Likely benign (2). Last evaluated 2024-11-06.

Allele frequency attached by ClinVar (database versions not stated): ESP Exome Variant Server 0.00023; TOPMed 0.00067; gnomAD 0.00087; gnomAD exomes 0.00088; ExAC 0.00148; 1000 Genomes Project 30x 0.00156; 1000 Genomes Project 0.00200.
gnomAD v4.1: 1,428 of 1,613,676 alleles (0.088%); highest among the groups gnomAD compares: East Asian, 1.5%; 11 homozygotes.

Submissions (2):

Blueprint Genetics
Classification: Likely benign. Last evaluated: 2024-11-06. Review status: criteria provided, single submitter. Criteria: ACMG Guidelines, 2015. Collection method: clinical testing. Allele origin: germline.

CeGaT Center for Human Genetics Tuebingen
Classification: Likely benign. Last evaluated: 2023-01-01. Review status: criteria provided, single submitter. Criteria: CeGaT Center For Human Genetics Tuebingen Variant Classification Criteria Version 2. Collection method: clinical testing. Allele origin: germline. Affected: yes. Observed: 2 variant alleles.
Comment: PRG4: BP4, BS2